The following is an entry in ClinVar:

NM_001458.5(FLNC):c.577G>A (p.Ala193Thr)

Gene: FLNC (filamin C; plus strand). Cytogenetic location: 7q32.1.
Variant type: single nucleotide variant.
Coding change: c.577G>A on transcript NM_001458.5 (MANE Select); coding-DNA position 577, G replaced by A.
Protein change: p.Ala193Thr; replaces alanine 193 with threonine.
Molecular consequence: missense variant.
Genome position (GRCh38, 1-based): chr7:128,835,550, G>A. VCF-style: chr7-128835550-G-A. GRCh37 (hg19) VCF-style: chr7-128475604-G-A.
Other names: c.577G>A, p.Ala193Thr (NM_001127487.2); short protein forms A193T.
Identifiers: ClinVar variation 29592 (VCV000029592.25), dbSNP rs387906587, ClinGen allele CA128479.

ClinVar aggregate classification (germline): Pathogenic/Likely pathogenic. Review status: criteria provided, multiple submitters, no conflicts (2 of 4 stars). 10 submissions from 10 submitters: Pathogenic (4); Likely pathogenic (2). 4 of the submissions do not count toward it. Last evaluated 2025-12-20.

Conditions:
Hypertrophic cardiomyopathy 26. Also called: Cardiomyopathy, familial hypertrophic, 26. Identifiers: Orphanet 75249, MedGen C4310749, MONDO:0014883, OMIM 617047.
Distal myopathy with posterior leg and anterior hand involvement. Also called: WILLIAMS DISTAL MYOPATHY. Identifiers: Orphanet 63273, MedGen C3279722, MONDO:0013550, OMIM 614065.
Myofibrillar myopathy 5. Also called: Filaminopathy (type); FILAMINOPATHY, AUTOSOMAL DOMINANT. Identifiers: Orphanet 171445, MedGen C1836050, MONDO:0012289, OMIM 609524.
FLNC-related disorder. Also called: FLNC-related condition; FLNC-related disorders.
Desmin-related myofibrillar myopathy (MFM1). Also called: Myofibrillar myopathy 1; Desminopathy; MYOFIBRILLAR MYOPATHY WITH ARRHYTHMOGENIC RIGHT VENTRICULAR CARDIOMYOPATHY; DESMIN-RELATED MYOPATHY WITH ARRHYTHMOGENIC RIGHT VENTRICULAR CARDIOMYOPATHY; Desmin related myopathy (former name); Desmin storage myopathy (former name). Identifiers: Orphanet 363543, Orphanet 98909, MedGen C1832370, MONDO:0011076, OMIM 601419.

Submissions (10):

Labcorp Genetics (formerly Invitae), Labcorp
Classification: Pathogenic for Distal myopathy with posterior leg and anterior hand involvement; Myofibrillar myopathy 5; Hypertrophic cardiomyopathy 26. Last evaluated: 2025-12-20. Review status: criteria provided, single submitter. Criteria: Invitae Variant Classification Sherloc (09022015). Collection method: clinical testing. Allele origin: germline.
Comment: This sequence change replaces alanine, which is neutral and non-polar, with threonine, which is neutral and polar, at codon 193 of the FLNC protein (p.Ala193Thr). This variant is not present in population databases (gnomAD no frequency). This missense change has been observed in individuals with FLNC-related myopathy (PMID: 2781633, 21620354, 30734317). It has also been observed to segregate with disease in related individuals. ClinVar contains an entry for this variant (Variation ID: 29592). Invitae Evidence Modeling of protein sequence and biophysical properties (such as structural, functional, and spatial information, amino acid conservation, physicochemical variation, residue mobility, and thermodynamic stability) has been performed for this missense variant. However, the output from this modeling did not meet the statistical confidence thresholds required to predict the impact of this variant on FLNC protein function. Experimental studies have shown that this missense change affects FLNC function (PMID: 21620354). For these reasons, this variant has been classified as Pathogenic.

3billion
Classification: Likely pathogenic for FLNC-related disorder. Last evaluated: 2024-11-25. Review status: criteria provided, single submitter. Criteria: ACMG Guidelines, 2015. Collection method: clinical testing. Allele origin: germline. Affected: yes.
Comment: The variant is not observed in the gnomAD v4.1.0 dataset. Predicted Consequence/Location: Missense variant. The majority of the known disease-causing variants of this gene are variants expected to result in premature termination of the protein. In silico tool predictions suggest damaging effect of the variant on gene or gene product [REVEL: 0.91 (>=0.6, sensitivity 0.68 and specificity 0.92); 3Cnet: 0.98 (>=0.6, sensitivity 0.72 and precision 0.9)]. The same nucleotide change resulting in the same amino acid change has been previously reported as pathogenic/likely pathogenic with strong evidence (ClinVar ID: VCV000029592 /PMID: 21620354). Therefore, this variant is classified as Likely pathogenic according to the recommendation of ACMG/AMP guideline.

Clinical Genomics Laboratory, Washington University in St. Louis
Classification: Pathogenic for Myofibrillar myopathy 5. Last evaluated: 2024-01-29. Review status: criteria provided, single submitter. Criteria: ACMG Guidelines, 2015. Collection method: clinical testing. Allele origin: germline. Affected: yes.
Comment: The FLNC c.577G>A (p.Ala193Thr) variant has been observed in at least nine individuals with FLNC-related myopathy including at least one individual with scoliosis and segregates with first degree relatives in 3 families (Duff RM et al., PMID: 21620354; Previtali SC et al., PMID: 30734317; T√∂pf A et al., PMID: 32528171; van den Bogaart FJ et al., PMID: 27816332). This variant has been reported in the ClinVar database as a germline pathogenic or likely pathogenic variant by six submitters and a variant of uncertain significance by one submitter. This variant is absent from the general population (gnomAD v.2.1.1), indicating it is not a common variant. This variant occurs in the actin binding domain and computational predictors indicate that the variant is damaging, evidence that correlates with impact to FLNC function. In support of this prediction, functional studies show that the variant increases the actin-binding activity of the filamin C protein compared to wild-type and results in protein aggregates when transfected (Duff RM et al., PMID: 21620354). Based on available information and the ACMG/AMP guidelines for variant interpretation (Richards S et al., PMID: 25741868), this variant is classified as pathogenic.

Blueprint Genetics
Classification: Pathogenic for FLNC-related disorders. Last evaluated: 2022-11-23. Review status: criteria provided, single submitter. Criteria: ACMG Guidelines, 2015. Collection method: clinical testing. Allele origin: germline. Affected: yes. Observed: 1 variant allele.

Revvity Omics, Revvity
Classification: Pathogenic. Last evaluated: 2020-02-11. Review status: criteria provided, single submitter. Criteria: ACMG Guidelines, 2015. Collection method: clinical testing. Allele origin: germline.

GeneDx
Classification: Likely pathogenic. Last evaluated: 2018-07-31. Review status: criteria provided, single submitter. Criteria: GeneDx Variant Classification (06012015). Collection method: clinical testing. Allele origin: germline. Affected: yes.
Comment: The A193T variant in the FLNC gene has previously been reported to segregate with disease in at least one family with distal myopathy (Duff et al., 2011). Functional studies show that A193T increases the actin-binding activity of the filamin C protein compared to wild-type (Duff et al., 2011). This variant was not observed in approximately 6,500 individuals of European and African American ancestry in the NHLBI Exome Sequencing Project, indicating it is not a common benign variant in these populations. The A193T variant is a non-conservative amino acid substitution, which is likely to impact secondary protein structure as these residues differ in polarity, charge, size and/or other properties. This substitution occurs at a position that is conserved across species. The A193T variant is a strong candidate for a pathogenic variant.

OMIM
Classification: Pathogenic for MYOPATHY, DISTAL, 4. Last evaluated: 2011-06-10. Review status: no assertion criteria provided. Collection method: literature only. Allele origin: germline. Not counted in ClinVar's aggregate classification.

Genome Diagnostics Laboratory, Amsterdam University Medical Center
Classification: Likely pathogenic. Review status: no assertion criteria provided. Collection method: clinical testing. Allele origin: germline. Affected: yes. Study: VKGL Data-share Consensus. Not counted in ClinVar's aggregate classification.

Joint Genome Diagnostic Labs from Nijmegen and Maastricht, Radboudumc and MUMC+
Classification: Likely pathogenic. Review status: no assertion criteria provided. Collection method: clinical testing. Allele origin: germline. Affected: yes. Study: VKGL Data-share Consensus. Not counted in ClinVar's aggregate classification.

Laboratory for Molecular Medicine, Mass General Brigham Personalized Medicine
Classification: Uncertain significance. Last evaluated: 2016-08-18. Review status: flagged submission. Criteria: LMM Criteria. Collection method: clinical testing. Allele origin: germline. Observed: 1 variant allele. Not counted in ClinVar's aggregate classification.
Comment: Variant classified as Uncertain Significance - Favor Pathogenic. The p.Ala193Thr variant in FLNC has been reported in 1 individual with distal myopathy and segr egated with disease in 2 affected relatives (Duff 2011). This variant was absent from large population studies. In vitro functional studies provide some evidenc e that the p.Ala193Thr variant may impact protein function (Duff 2011). However, these types of assays may not accurately represent biological function. Computa tional prediction tools and conservation analysis suggest that the p.Ala193Thr v ariant may impact the protein, though this information is not predictive enough to determine pathogenicity. In summary, while there is some suspicion for a path ogenic role, the clinical significance of the p.Ala193Thr variant is uncertain.
ClinVar note: Reason: Older and outlier claim with insufficient supporting evidence

Literature cited by the submitters: PubMed 2781633 (cited by Labcorp Genetics (formerly Invitae), Labcorp); PubMed 21620354 (cited by 4 submitters); PubMed 30734317 (cited by Labcorp Genetics (formerly Invitae), Labcorp).